The following is an entry in ClinVar:

ClinVar aggregate classification (germline): Likely benign. Review status: criteria provided, single submitter (1 of 4 stars). 2 submissions from 2 submitters: Likely benign (1). 1 of the submissions does not count toward it. Last evaluated 2024-09-11.

Conditions:
Inborn genetic diseases. Identifiers: MedGen C0950123, MeSH D030342.
ADCY3-related disorder. Also called: ADCY3-related condition.

Allele frequency attached by ClinVar (database versions not stated): gnomAD 0.00004; TOPMed 0.00004; ExAC 0.00008; gnomAD exomes 0.00011; 1000 Genomes Project 30x 0.00016; 1000 Genomes Project 0.00020.

Submissions (2):

Ambry Genetics
Classification: Likely benign for Inborn genetic diseases. Last evaluated: 2024-09-11. Review status: criteria provided, single submitter. Criteria: Ambry Variant Classification Scheme 2023. Collection method: clinical testing. Allele origin: germline.

PreventionGenetics, part of Exact Sciences
Classification: Uncertain significance for ADCY3-related condition. Last evaluated: 2024-01-30. Review status: no assertion criteria provided. Collection method: clinical testing. Allele origin: germline. Not counted in ClinVar's aggregate classification.
Comment: The ADCY3 c.2423G>A variant is predicted to result in the amino acid substitution p.Arg808Gln. To our knowledge, this variant has not been reported in the literature. This variant is reported in 0.023% of alleles in individuals of South Asian descent in gnomAD. At this time, the clinical significance of this variant is uncertain due to the absence of conclusive functional and genetic evidence.

NM_004036.5(ADCY3):c.2423G>A (p.Arg808Gln)

Gene: ADCY3 (adenylate cyclase 3; minus strand). Cytogenetic location: 2p23.3.
Variant type: single nucleotide variant.
Coding change: c.2423G>A on transcript NM_004036.5 (MANE Select); coding-DNA position 2423, G replaced by A.
Protein change: p.Arg808Gln; replaces arginine 808 with glutamine.
Molecular consequence: missense variant. On other transcripts: intron variant (1).
Genome position (GRCh38, 1-based): chr2:24,827,911, C>T on the plus strand (G>A on the coding strand, the complement: ADCY3 is on the minus strand). VCF-style: chr2-24827911-C-T. GRCh37 (hg19) VCF-style: chr2-25050780-C-T.
Other names: c.2423G>A, p.Arg808Gln (NM_001320613.2, NM_001377132.1); c.2489G>A, p.Arg830Gln (NM_001377128.1); c.2285G>A, p.Arg762Gln (NM_001377129.1); c.1700G>A, p.Arg567Gln (NM_001377131.1); c.2172+2798G>A (NM_001377130.1); c.2423G>A (NM_004036.3); short protein forms R567Q, R762Q, R808Q, R830Q.
Identifiers: ClinVar variation 2629642 (VCV002629642.4), dbSNP rs560339786, ClinGen allele CA1553780.
Genomic context (GRCh38, chr2:24,827,911, plus strand): 5'-GCGGGCGGGAGGAAGGAGACAATACAGATCCCCAGTCACGCTTCATCTTACTCGTGCTCC[C>T]GAAAACGCTTGTGGTCGTATTCATCAAAGACGGGACGCCAGGCATAGAGGTTGATGGTGG-3'
Protein context (NP_004027.2, residues 798-818): VFDEYDHKRF[Arg808Gln]EHDLPMVALE